The following is an entry in ClinVar:

ClinVar aggregate classification (germline): Uncertain significance. Review status: criteria provided, multiple submitters, no conflicts (2 of 4 stars). 3 submissions from 3 submitters: Uncertain significance (3). Last evaluated 2024-09-22.

Conditions:
Peutz-Jeghers syndrome (PJS). Also called: POLYPOSIS, HAMARTOMATOUS INTESTINAL; POLYPS-AND-SPOTS SYNDROME; Peutz-Jeghers polyposis; Periorificial lentiginosis syndrome. Identifiers: Orphanet 2869, MedGen C0031269, MeSH D010580, MONDO:0008280, OMIM 175200.
Hereditary cancer-predisposing syndrome. Also called: Tumor predisposition; Neoplastic Syndromes, Hereditary; Hereditary Cancer Syndrome; Hereditary neoplastic syndrome. Identifiers: Orphanet 140162, MedGen C0027672, MeSH D009386, MONDO:0015356.

Allele frequency attached by ClinVar (database versions not stated): ExAC 0.00001; gnomAD 0.00001; TOPMed 0.00001.
gnomAD v4.1: 1 of 1,613,822 alleles (0.000062%); highest among the groups gnomAD compares: African/African-American, 0.0013%; no homozygotes.

Submissions (3):

Labcorp Genetics (formerly Invitae), Labcorp
Classification: Uncertain significance for Peutz-Jeghers syndrome. Last evaluated: 2024-09-22. Review status: criteria provided, single submitter. Criteria: Invitae Variant Classification Sherloc (09022015). Collection method: clinical testing. Allele origin: germline.
Comment: This sequence change replaces lysine, which is basic and polar, with threonine, which is neutral and polar, at codon 48 of the STK11 protein (p.Lys48Thr). This variant is present in population databases (rs766776431, gnomAD 0.007%). This variant has not been reported in the literature in individuals affected with STK11-related conditions. ClinVar contains an entry for this variant (Variation ID: 1772672). Invitae Evidence Modeling of protein sequence and biophysical properties (such as structural, functional, and spatial information, amino acid conservation, physicochemical variation, residue mobility, and thermodynamic stability) indicates that this missense variant is expected to disrupt STK11 protein function with a positive predictive value of 95%. In summary, the available evidence is currently insufficient to determine the role of this variant in disease. Therefore, it has been classified as a Variant of Uncertain Significance.

Ambry Genetics
Classification: Uncertain significance for Hereditary cancer-predisposing syndrome. Last evaluated: 2024-09-12. Review status: criteria provided, single submitter. Criteria: Ambry Variant Classification Scheme 2023. Collection method: clinical testing. Allele origin: germline.
Comment: The p.K48T variant (also known as c.143A>C), located in coding exon 1 of the STK11 gene, results from an A to C substitution at nucleotide position 143. The lysine at codon 48 is replaced by threonine, an amino acid with similar properties. This amino acid position is highly conserved in available vertebrate species. In addition, the in silico prediction for this alteration is inconclusive. Based on the available evidence, the clinical significance of this variant remains unclear.

All of Us Research Program, National Institutes of Health
Classification: Uncertain significance for Peutz-Jeghers syndrome. Last evaluated: 2023-08-28. Review status: criteria provided, single submitter. Criteria: ACMG Guidelines, 2015. Collection method: clinical testing. Allele origin: germline. Inheritance: Autosomal dominant inheritance. Observed: 1 variant allele, 1 heterozygote.
Comment: This missense variant replaces lysine with threonine at codon 48 of the STK11 protein. Computational prediction is inconclusive regarding the impact of this variant on protein structure and function (internally defined REVEL score threshold 0.5 < inconclusive < 0.7, PMID: 27666373). To our knowledge, functional studies have not been reported for this variant. This variant has not been reported in individuals affected with STK11-related disorders in the literature. This variant has been identified in 1/248344 chromosomes in the general population by the Genome Aggregation Database (gnomAD). The available evidence is insufficient to determine the role of this variant in disease conclusively. Therefore, this variant is classified as a Variant of Uncertain Significance.

This study involves interpretation of variants in research participants for the purpose of population health screening. Participant phenotype was not available at the time of variant classification. Additional details can be found in publication PMID: 35346344, PMCID: PMC8962531

NM_000455.5(STK11):c.143A>C (p.Lys48Thr)

Gene: STK11 (serine/threonine kinase 11; plus strand). Cytogenetic location: 19p13.3.
Variant type: single nucleotide variant.
Coding change: c.143A>C on transcript NM_000455.5 (MANE Select); coding-DNA position 143, A replaced by C.
Protein change: p.Lys48Thr; replaces lysine 48 with threonine.
Molecular consequence: missense variant.
Genome position (GRCh38, 1-based): chr19:1,207,056, A>C. VCF-style: chr19-1207056-A-C. GRCh37 (hg19) VCF-style: chr19-1207055-A-C.
Other names: c.143A>C, p.Lys48Thr (NM_001407255.1); short protein forms K48T.
Identifiers: ClinVar variation 1772672 (VCV001772672.6), dbSNP rs766776431, ClinGen allele CA046350.